The following is an entry in ClinVar:

ClinVar aggregate classification (germline): Uncertain significance (1 of 4 stars; one submission).

Conditions:
Neurofibromatosis, type 1 (NF1). Also called: Peripheral type neurofibromatosis; Neurofibromatosis, type I; VON RECKLINGHAUSEN DISEASE; NEUROFIBROMATOSIS, TYPE I, SOMATIC. Identifiers: Orphanet 636, MedGen C0027831, MONDO:0018975, OMIM 162200. Disease mechanism: loss of function.

Submission:

Labcorp Genetics (formerly Invitae), Labcorp
Classification: Uncertain significance for Neurofibromatosis, type 1. Last evaluated: 2019-09-06. Review status: criteria provided, single submitter. Criteria: Invitae Variant Classification Sherloc (09022015). Collection method: clinical testing. Allele origin: germline.
Comment: Algorithms developed to predict the effect of missense changes on protein structure and function are either unavailable or do not agree on the potential impact of this missense change (SIFT: "Tolerated"; PolyPhen-2: "Possibly Damaging"; Align-GVGD: "Class C0"). In summary, the available evidence is currently insufficient to determine the role of this variant in disease. Therefore, it has been classified as a Variant of Uncertain Significance. This variant has not been reported in the literature in individuals with NF1-related conditions. This variant is not present in population databases (ExAC no frequency). This sequence change replaces glycine with arginine at codon 824 of the NF1 protein (p.Gly824Arg). The glycine residue is moderately conserved and there is a moderate physicochemical difference between glycine and arginine.

NM_001042492.3(NF1):c.2470G>A (p.Gly824Arg)

Gene: NF1 (neurofibromin 1; plus strand). Cytogenetic location: 17q11.2.
Variant type: single nucleotide variant.
Coding change: c.2470G>A on transcript NM_001042492.3 (MANE Select); coding-DNA position 2470, G replaced by A.
Protein change: p.Gly824Arg; replaces glycine 824 with arginine.
Molecular consequence: missense variant.
Genome position (GRCh38, 1-based): chr17:31,229,085, G>A. VCF-style: chr17-31229085-G-A. GRCh37 (hg19) VCF-style: chr17-29556103-G-A.
Other names: c.2470G>A, p.Gly824Arg (NM_000267.4); short protein forms G824R.
Identifiers: ClinVar variation 943805 (VCV000943805.6), dbSNP rs2067065609, ClinGen allele CA398983988.
Genomic context (GRCh38, chr17:31,229,085, plus strand): 5'-GCTGCTGAAAGCCTTCACAAGACCATTGTTAAGAGGCGAATGTCCCATGTGAGTGGAGGA[G>A]GATCCATAGATTTGTCTGACACAGACTCCCTACAGGAATGGATCAACATGACTGGCTTCC-3'
Protein context (NP_001035957.1, residues 814-834): KRRMSHVSGG[Gly824Arg]SIDLSDTDSL